The following is an entry in ClinVar:

ClinVar aggregate classification (germline): Pathogenic (1 of 4 stars; one submission).

Submission:

Labcorp Genetics (formerly Invitae), Labcorp
Classification: Pathogenic. Last evaluated: 2023-05-12. Review status: criteria provided, single submitter. Criteria: Invitae Variant Classification Sherloc (09022015). Collection method: clinical testing. Allele origin: germline.
Comment: This sequence change creates a premature translational stop signal (p.Leu135Profs*71) in the SLC38A8 gene. It is expected to result in an absent or disrupted protein product. Loss-of-function variants in SLC38A8 are known to be pathogenic (PMID: 24290379). This variant is not present in population databases (gnomAD no frequency). For these reasons, this variant has been classified as Pathogenic. This variant has not been reported in the literature in individuals affected with SLC38A8-related conditions.

Literature cited by the submitters: PubMed 24290379.

NM_001080442.3(SLC38A8):c.403dup (p.Leu135fs)

Gene: SLC38A8 (solute carrier family 38 member 8; minus strand). Cytogenetic location: 16q23.3.
Variant type: Duplication.
Coding change: c.403dup on transcript NM_001080442.3 (MANE Select); coding-DNA position 403, one base duplicated (C; older notation c.403dupC).
Protein change: p.Leu135fs; shifts the reading frame from leucine 135.
Molecular consequence: frameshift variant.
Genome position (GRCh38, 1-based): chr16:84,033,455, G duplicated on the plus strand (C on the coding strand, the reverse complement: SLC38A8 is on the minus strand); the first of 2 consecutive G bases (chr16:84,033,455-84,033,456); duplicating either gives the same sequence. VCF-style (leftmost placement, unchanged base first): chr16-84033454-A-AG. GRCh37 (hg19) VCF-style: chr16-84067059-A-AG.
Other names: short protein forms L135fs.
Identifiers: ClinVar variation 3021960 (VCV003021960.3), dbSNP rs2507659939, ClinGen allele CA2576121139.